The following is an entry in ClinVar:

ClinVar aggregate classification (germline): Uncertain significance. Review status: criteria provided, multiple submitters, no conflicts (2 of 4 stars). 2 submissions from 2 submitters: Uncertain significance (2). Last evaluated 2026-02-10.

Conditions:
PLEC-related disorder. Also called: PLEC-related disorders; PLEC-related condition.
Epidermolysis bullosa simplex 5B, with muscular dystrophy (EBS5B). Also called: Epidermolysis bullosa simplex with muscular dystrophy; EPIDERMOLYSIS BULLOSA SIMPLEX AND LIMB-GIRDLE MUSCULAR DYSTROPHY. Identifiers: Orphanet 257, MedGen C2931072, MONDO:0009181, OMIM 226670.
Epidermolysis bullosa simplex with nail dystrophy (EBS5D). Identifiers: MedGen C4225309, MONDO:0014661, OMIM 616487.
Epidermolysis bullosa simplex 5C, with pyloric atresia (EBS5C). Also called: PLEC-Related Epidermolysis Bullosa with Pyloric Atresia; Epidermolysis bullosa simplex with pyloric atresia; PLEC1-Related Epidermolysis Bullosa with Pyloric Atresia. Identifiers: Orphanet 158684, MedGen C2677349, MONDO:0012807, OMIM 612138.
Epidermolysis bullosa simplex, Ogna type (EBS5A). Also called: Pidermolysis bullosa simplex 5A, Ogna type; EPIDERMOLYSIS BULLOSA SIMPLEX 5A, OGNA TYPE. Identifiers: Orphanet 79401, MedGen C0432317, MONDO:0007555, OMIM 131950.
Autosomal recessive limb-girdle muscular dystrophy type 2Q (LGMDR17). Also called: MUSCULAR DYSTROPHY, LIMB-GIRDLE, AUTOSOMAL RECESSIVE 17. Identifiers: Orphanet 254361, MedGen C3150989, MONDO:0013390, OMIM 613723.

Allele frequency attached by ClinVar (database versions not stated): gnomAD exomes 0.00001 and 0.00002; ExAC 0.00003; gnomAD 0.00003; TOPMed 0.00005.
gnomAD v4.1: 31 of 1,573,334 alleles (0.002%); highest among the groups gnomAD compares: African/African-American, 0.004%; no homozygotes.

Submissions (2):

PreventionGenetics, part of Exact Sciences
Classification: Uncertain significance for PLEC-related condition. Last evaluated: 2026-02-10. Review status: criteria provided, single submitter. Criteria: ACMG Guidelines, 2015. Collection method: clinical testing. Allele origin: germline.
Comment: The PLEC c.4997A>G variant is predicted to result in the amino acid substitution p.Asn1666Ser. To our knowledge, this variant has not been reported in the literature. This variant is reported in 0.0054% of alleles in individuals of African descent in gnomAD. At this time, the clinical significance of this variant is uncertain due to the absence of conclusive functional and genetic evidence.

Labcorp Genetics (formerly Invitae), Labcorp
Classification: Uncertain significance for Autosomal recessive limb-girdle muscular dystrophy type 2Q; Epidermolysis bullosa simplex, Ogna type; Epidermolysis bullosa simplex with nail dystrophy; Epidermolysis bullosa simplex 5C, with pyloric atresia; Epidermolysis bullosa simplex 5B, with muscular dystrophy. Last evaluated: 2022-02-04. Review status: criteria provided, single submitter. Criteria: Invitae Variant Classification Sherloc (09022015). Collection method: clinical testing. Allele origin: germline.
Comment: This variant is present in population databases (rs781995370, gnomAD 0.01%). This sequence change replaces asparagine, which is neutral and polar, with serine, which is neutral and polar, at codon 1666 of the PLEC protein (p.Asn1666Ser). This variant has not been reported in the literature in individuals affected with PLEC-related conditions. In summary, the available evidence is currently insufficient to determine the role of this variant in disease. Therefore, it has been classified as a Variant of Uncertain Significance. Algorithms developed to predict the effect of missense changes on protein structure and function are either unavailable or do not agree on the potential impact of this missense change (SIFT: "Deleterious"; PolyPhen-2: "Not Available"; Align-GVGD: "Class C45"). ClinVar contains an entry for this variant (Variation ID: 1004819).

NM_201384.3(PLEC):c.4916A>G (p.Asn1639Ser)

Gene: PLEC (plectin; minus strand). Cytogenetic location: 8q24.3.
Variant type: single nucleotide variant.
Coding change: c.4916A>G on transcript NM_201384.3 (MANE Select); coding-DNA position 4916, A replaced by G.
Protein change: p.Asn1639Ser; replaces asparagine 1639 with serine.
Molecular consequence: missense variant.
Genome position (GRCh38, 1-based): chr8:143,925,013, T>C on the plus strand (A>G on the coding strand, the complement: PLEC is on the minus strand). VCF-style: chr8-143925013-T-C. GRCh37 (hg19) VCF-style: chr8-144999181-T-C.
Other names: c.4997A>G (NM_000445.4); c.4997A>G, p.Asn1666Ser (NM_000445.5); c.4874A>G, p.Asn1625Ser (NM_201378.4); c.4850A>G, p.Asn1617Ser (NM_201379.3); c.5327A>G, p.Asn1776Ser (NM_201380.4); c.4820A>G, p.Asn1607Ser (NM_201381.3); c.4916A>G, p.Asn1639Ser (NM_201382.4); c.4928A>G, p.Asn1643Ser (NM_201383.3); short protein forms N1607S, N1617S, N1625S, N1639S, N1643S, N1666S, N1776S.
Identifiers: ClinVar variation 1004819 (VCV001004819.6), dbSNP rs781995370, ClinGen allele CA4926501.